The following is an entry in ClinVar:

NM_014014.5(SNRNP200):c.2380C>T (p.Arg794Ter)

Gene: SNRNP200 (small nuclear ribonucleoprotein U5 subunit 200; minus strand). Cytogenetic location: 2q11.2.
Variant type: single nucleotide variant.
Coding change: c.2380C>T on transcript NM_014014.5 (MANE Select); coding-DNA position 2380, C replaced by T.
Protein change: p.Arg794Ter; replaces arginine 794 with a stop codon.
Molecular consequence: nonsense.
Genome position (GRCh38, 1-based): chr2:96,291,433, G>A on the plus strand (C>T on the coding strand, the complement: SNRNP200 is on the minus strand). VCF-style: chr2-96291433-G-A. GRCh37 (hg19) VCF-style: chr2-96957171-G-A.
Other names: short protein forms R794*.
Identifiers: ClinVar variation 2029739 (VCV002029739.4), dbSNP rs1268284117, ClinGen allele CA347677620.
Genomic context (GRCh38, chr2:96,291,433, plus strand): 5'-ACGCTTTGCACCCCCTCACCTGAATATGTTTATCAGCAAAAAGATCCTCCACGAGTGTTC[G>A]GTCAACCCTGGTCATGCCTGCGTGATGAATAGCAAAGCCATAAGGCAGAAGATCCTTCAG-3'

ClinVar aggregate classification (germline): Uncertain significance (1 of 4 stars; one submission).

Submission:

Labcorp Genetics (formerly Invitae), Labcorp
Classification: Uncertain significance. Last evaluated: 2022-09-09. Review status: criteria provided, single submitter. Criteria: Invitae Variant Classification Sherloc (09022015). Collection method: clinical testing. Allele origin: germline.
Comment: This sequence change creates a premature translational stop signal (p.Arg794*) in the SNRNP200 gene. It is expected to result in an absent or disrupted protein product. However, the current clinical and genetic evidence is not sufficient to establish whether loss-of-function variants in SNRNP200 cause disease. This variant is not present in population databases (gnomAD no frequency). This variant has not been reported in the literature in individuals affected with SNRNP200-related conditions. In summary, the available evidence is currently insufficient to determine the role of this variant in disease. Therefore, it has been classified as a Variant of Uncertain Significance.